The following is an entry in ClinVar:

ClinVar aggregate classification (germline): Uncertain significance. Review status: criteria provided, multiple submitters, no conflicts (2 of 4 stars). 2 submissions from 2 submitters: Uncertain significance (2). Last evaluated 2025-04-19.

Conditions:
Inborn genetic diseases. Identifiers: MedGen C0950123, MeSH D030342.
Bardet-Biedl syndrome (BBS). Identifiers: Orphanet 110, MedGen C0752166, MONDO:0015229.

Submissions (2):

Labcorp Genetics (formerly Invitae), Labcorp
Classification: Uncertain significance for Bardet-Biedl syndrome. Last evaluated: 2025-04-19. Review status: criteria provided, single submitter. Criteria: Invitae Variant Classification Sherloc (09022015). Collection method: clinical testing. Allele origin: germline.
Comment: This sequence change replaces methionine, which is neutral and non-polar, with isoleucine, which is neutral and non-polar, at codon 138 of the BBS9 protein (p.Met138Ile). This variant is not present in population databases (gnomAD no frequency). This variant has not been reported in the literature in individuals affected with BBS9-related conditions. ClinVar contains an entry for this variant (Variation ID: 986126). Invitae Evidence Modeling of protein sequence and biophysical properties (such as structural, functional, and spatial information, amino acid conservation, physicochemical variation, residue mobility, and thermodynamic stability) indicates that this missense variant is expected to disrupt BBS9 protein function with a positive predictive value of 80%. In summary, the available evidence is currently insufficient to determine the role of this variant in disease. Therefore, it has been classified as a Variant of Uncertain Significance.

Ambry Genetics
Classification: Uncertain significance for Inborn genetic diseases. Last evaluated: 2018-01-17. Review status: criteria provided, single submitter. Criteria: Ambry exome assertion method (8-5-2015). Collection method: clinical testing. Allele origin: germline. Affected: yes. Observed: 1 variant allele.

NM_198428.3(BBS9):c.414G>C (p.Met138Ile)

Gene: BBS9 (Bardet-Biedl syndrome 9; plus strand). Cytogenetic location: 7p14.3.
Variant type: single nucleotide variant.
Coding change: c.414G>C on transcript NM_198428.3 (MANE Select); coding-DNA position 414, G replaced by C.
Protein change: p.Met138Ile; replaces methionine 138 with isoleucine.
Molecular consequence: missense variant. On other transcripts: non-coding transcript variant (3).
Genome position (GRCh38, 1-based): chr7:33,177,563, G>C. VCF-style: chr7-33177563-G-C. GRCh37 (hg19) VCF-style: chr7-33217175-G-C.
Other names: c.414G>C, p.Met138Ile (NM_001362679.1, NM_014451.4, NM_001033604.2 and 5 more transcripts); c.48G>C, p.Met16Ile (NM_001348037.3, NM_001348044.3, NM_001348045.3 and 1 more transcripts); c.141G>C, p.Met47Ile (NM_001348038.3, NM_001348039.3); c.279G>C, p.Met93Ile (NM_001348042.3); short protein forms M138I, M16I, M47I, M93I.
Identifiers: ClinVar variation 986126 (VCV000986126.4), dbSNP rs1797510907, ClinGen allele CA367251963.
Genomic context (GRCh38, chr7:33,177,563, plus strand): 5'-GAACCAATGTCAGATGAAATTGATGTATGAACATAATCTTCAGAGAACAGCCTGCAATAT[G>C]ACCTATGGATCATTTGGTGGTGTAAAAGGTAATTTGCTTTTAATCATGAGTATGCTATTT-3'
Protein context (NP_940820.1, residues 128-148): EHNLQRTACN[Met138Ile]TYGSFGGVKG